The following is an entry in ClinVar:

ClinVar aggregate classification (germline): Likely benign. Review status: criteria provided, multiple submitters, no conflicts (2 of 4 stars). 4 submissions from 4 submitters: Likely benign (3). 1 of the submissions does not count toward it. Last evaluated 2026-01-16.

Conditions:
CBS-related disorder. Also called: CBS-related condition.
Familial thoracic aortic aneurysm and aortic dissection (TAAD). Also called: Thoracic aortic aneurysms and dissections. Identifiers: Orphanet 91387, MedGen C4707243, MONDO:0019625.
HYPERHOMOCYSTEINEMIA, THROMBOTIC, CBS-RELATED. Identifiers: MedGen C3150344, OMIM 236200.

Allele frequency attached by ClinVar (database versions not stated): gnomAD exomes 0.00001; ExAC 0.00002.

Submissions (4):

Labcorp Genetics (formerly Invitae), Labcorp
Classification: Likely benign for HYPERHOMOCYSTEINEMIA, THROMBOTIC, CBS-RELATED. Last evaluated: 2026-01-16. Review status: criteria provided, single submitter. Criteria: Invitae Variant Classification Sherloc (09022015). Collection method: clinical testing. Allele origin: germline.

Women's Health and Genetics/Laboratory Corporation of America, LabCorp
Classification: Likely benign. Last evaluated: 2024-09-29. Review status: criteria provided, single submitter. Criteria: LabCorp Variant Classification Summary - May 2015. Collection method: clinical testing. Allele origin: germline.

Ambry Genetics
Classification: Likely benign for Familial thoracic aortic aneurysm and aortic dissection. Last evaluated: 2023-12-24. Review status: criteria provided, single submitter. Criteria: Ambry Variant Classification Scheme 2023. Collection method: clinical testing. Allele origin: germline.

PreventionGenetics, part of Exact Sciences
Classification: Likely benign for CBS-related condition. Last evaluated: 2022-04-11. Review status: no assertion criteria provided. Collection method: clinical testing. Allele origin: germline. Not counted in ClinVar's aggregate classification.
Comment: This variant is classified as likely benign based on ACMG/AMP sequence variant interpretation guidelines (Richards et al. 2015 PMID: 25741868, with internal and published modifications).

NM_000071.3(CBS):c.126G>C (p.Leu42=)

Gene: CBS (cystathionine beta-synthase; minus strand). Cytogenetic location: 21q22.3.
Variant type: single nucleotide variant.
Coding change: c.126G>C on transcript NM_000071.3 (MANE Select); coding-DNA position 126, G replaced by C.
Protein change: p.Leu42=; no amino-acid change (leucine 42 retained).
Molecular consequence: synonymous variant.
Genome position (GRCh38, 1-based): chr21:43,072,068, C>G on the plus strand (G>C on the coding strand, the complement: CBS is on the minus strand). VCF-style: chr21-43072068-C-G. GRCh37 (hg19) VCF-style: chr21-44492178-C-G.
Other names: c.126G>C, p.Leu42= (NM_001178008.3, NM_001178009.3, NM_001320298.2); c.126G>C (NM_000071.2).
Identifiers: ClinVar variation 1594635 (VCV001594635.12), dbSNP rs752812436, ClinGen allele CA321103952.